The following is an entry in ClinVar:

NM_153026.3(PRICKLE1):c.1299T>A (p.Asn433Lys)

Gene: PRICKLE1 (prickle planar cell polarity protein 1; minus strand). Cytogenetic location: 12q12.
Variant type: single nucleotide variant.
Coding change: c.1299T>A on transcript NM_153026.3 (MANE Select); coding-DNA position 1299, T replaced by A.
Protein change: p.Asn433Lys; replaces asparagine 433 with lysine.
Molecular consequence: missense variant.
Genome position (GRCh38, 1-based): chr12:42,464,735, A>T on the plus strand (T>A on the coding strand, the complement: PRICKLE1 is on the minus strand). VCF-style: chr12-42464735-A-T. GRCh37 (hg19) VCF-style: chr12-42858537-A-T.
Other names: c.1299T>A, p.Asn433Lys (NM_001144881.2, NM_001144882.2, NM_001144883.2); short protein forms N433K.
Identifiers: ClinVar variation 2013578 (VCV002013578.1), dbSNP rs779594296, ClinGen allele CA6519774.

ClinVar aggregate classification (germline): Uncertain significance (1 of 4 stars; one submission).

Conditions:
Epilepsy, progressive myoclonic, 1B. Also called: PME. Identifiers: Orphanet 308, MedGen C2676254, MONDO:0012904, OMIM 612437.

Allele frequency attached by ClinVar (database versions not stated): ExAC 0.00001.
gnomAD v4.1: 1 of 1,613,620 alleles (0.000062%); highest among the groups gnomAD compares: Non-Finnish European, 0.000085%; no homozygotes.

Submission:

Labcorp Genetics (formerly Invitae), Labcorp
Classification: Uncertain significance for Epilepsy, progressive myoclonic, 1B. Last evaluated: 2021-12-07. Review status: criteria provided, single submitter. Criteria: Invitae Variant Classification Sherloc (09022015). Collection method: clinical testing. Allele origin: germline.
Comment: This sequence change replaces asparagine, which is neutral and polar, with lysine, which is basic and polar, at codon 433 of the PRICKLE1 protein (p.Asn433Lys). This variant is not present in population databases (gnomAD no frequency). This variant has not been reported in the literature in individuals affected with PRICKLE1-related conditions. Algorithms developed to predict the effect of missense changes on protein structure and function (SIFT, PolyPhen-2, Align-GVGD) all suggest that this variant is likely to be tolerated. In summary, the available evidence is currently insufficient to determine the role of this variant in disease. Therefore, it has been classified as a Variant of Uncertain Significance.